The following is an entry in ClinVar:

ClinVar aggregate classification (germline): Pathogenic (1 of 4 stars; one submission).

gnomAD v4.1: 16 of 1,613,708 alleles (0.00099%); highest among the groups gnomAD compares: Non-Finnish European, 0.0013%; no homozygotes.

Submission:

GeneDx
Classification: Pathogenic. Last evaluated: 2026-03-09. Review status: criteria provided, single submitter. Criteria: GeneDx Variant Classification Process June 2021. Collection method: clinical testing. Allele origin: germline.
Comment: Nonsense variant predicted to result in protein truncation, as the last 298 amino acid(s) are lost, and other loss-of-function variants have been reported downstream in HGMD; Not observed at significant frequency in large population cohorts (gnomAD); Has not been previously published as pathogenic or benign to our knowledge; This variant is associated with the following publications: (PMID: 16444271)

NM_002016.2(FLG):c.11291C>G (p.Ser3764Ter)

Genes: CCDST (cervical cancer associated DHX9 suppressive transcript; plus strand), FLG (filaggrin; minus strand). Cytogenetic location: 1q21.3.
Variant type: single nucleotide variant.
Coding change: c.11291C>G on transcript NM_002016.2 (MANE Select); coding-DNA position 11291, C replaced by G.
Protein change: p.Ser3764Ter; replaces serine 3764 with a stop codon.
Molecular consequence: nonsense.
Genome position (GRCh38, 1-based): chr1:152,303,595, G>C on the plus strand (C>G on the coding strand, the complement: FLG is on the minus strand). VCF-style: chr1-152303595-G-C. GRCh37 (hg19) VCF-style: chr1-152276071-G-C.
Other names: short protein forms S3764*.
Identifiers: ClinVar variation 4282495 (VCV004282495.2).